The following is an entry in ClinVar:

ClinVar aggregate classification (germline): Uncertain significance. Review status: criteria provided, multiple submitters, no conflicts (2 of 4 stars). 2 submissions from 2 submitters: Uncertain significance (2). Last evaluated 2024-03-18.

Conditions:
Inborn genetic diseases. Identifiers: MedGen C0950123, MeSH D030342.
Neuromuscular disease caused by qualitative or quantitative defects of dysferlin. Also called: Qualitative or quantitative defects of dysferlin; Dysferlinopathy. Identifiers: Orphanet 207073, MedGen C2931687, MONDO:0016145.

Allele frequency attached by ClinVar (database versions not stated): gnomAD exomes below 0.00001; ExAC 0.00001.

Submissions (2):

Ambry Genetics
Classification: Uncertain significance for Inborn genetic diseases. Last evaluated: 2024-03-18. Review status: criteria provided, single submitter. Criteria: Ambry Variant Classification Scheme 2023. Collection method: clinical testing. Allele origin: germline.

Labcorp Genetics (formerly Invitae), Labcorp
Classification: Uncertain significance for Neuromuscular disease caused by qualitative or quantitative defects of dysferlin. Last evaluated: 2022-10-17. Review status: criteria provided, single submitter. Criteria: Invitae Variant Classification Sherloc (09022015). Collection method: clinical testing. Allele origin: germline.
Comment: This sequence change replaces leucine, which is neutral and non-polar, with valine, which is neutral and non-polar, at codon 1959 of the DYSF protein (p.Leu1959Val). This variant is not present in population databases (gnomAD no frequency). This variant has not been reported in the literature in individuals affected with DYSF-related conditions. ClinVar contains an entry for this variant (Variation ID: 856969). Advanced modeling of protein sequence and biophysical properties (such as structural, functional, and spatial information, amino acid conservation, physicochemical variation, residue mobility, and thermodynamic stability) performed at Invitae indicates that this missense variant is expected to disrupt DYSF protein function. In summary, the available evidence is currently insufficient to determine the role of this variant in disease. Therefore, it has been classified as a Variant of Uncertain Significance.

NM_001130987.2(DYSF):c.5992C>G (p.Leu1998Val)

Gene: DYSF (dysferlin; plus strand). Cytogenetic location: 2p13.2.
Variant type: single nucleotide variant.
Coding change: c.5992C>G on transcript NM_001130987.2 (MANE Select); coding-DNA position 5992, C replaced by G.
Protein change: p.Leu1998Val; replaces leucine 1998 with valine.
Molecular consequence: missense variant.
Genome position (GRCh38, 1-based): chr2:71,679,164, C>G. VCF-style: chr2-71679164-C-G. GRCh37 (hg19) VCF-style: chr2-71906294-C-G.
Other names: c.5875C>G, p.Leu1959Val (NM_003494.4); c.5878C>G, p.Leu1960Val (NM_001130455.2); c.5833C>G, p.Leu1945Val (NM_001130976.2); c.5896C>G, p.Leu1966Val (NM_001130977.2); c.5938C>G, p.Leu1980Val (NM_001130978.2); c.5968C>G, p.Leu1990Val (NM_001130979.2); c.5926C>G, p.Leu1976Val (NM_001130980.2); c.5989C>G, p.Leu1997Val (NM_001130981.2); and 5 more; short protein forms L1946V, L1976V, L1945V, L1977V, L1980V, L1998V, L1959V, L1960V.
Identifiers: ClinVar variation 856969 (VCV000856969.7), dbSNP rs746241195, ClinGen allele CA1707561.
Genomic context (GRCh38, chr2:71,679,164, plus strand): 5'-GCCAAGAAGTGCTCCTTGGACCAGCTGGATGATGCTTTCCACCCAGAATGGTTTGTGTCC[C>G]TTTTTGAGCAGAAAACAGTGAAGGGCTGGTGGCCCTGTGTAGCAGAAGAGGGTGAGAAGA-3'
Protein context (NP_001124459.1, residues 1988-2008): DAFHPEWFVS[Leu1998Val]FEQKTVKGWW